The following is an entry in ClinVar:

NM_000138.5(FBN1):c.7025A>C (p.Glu2342Ala)

Gene: FBN1 (fibrillin 1; minus strand). Cytogenetic location: 15q21.1.
Variant type: single nucleotide variant.
Coding change: c.7025A>C on transcript NM_000138.5 (MANE Select); coding-DNA position 7025, A replaced by C.
Protein change: p.Glu2342Ala; replaces glutamic acid 2342 with alanine.
Molecular consequence: missense variant.
Genome position (GRCh38, 1-based): chr15:48,427,746, T>G on the plus strand (A>C on the coding strand, the complement: FBN1 is on the minus strand). VCF-style: chr15-48427746-T-G. GRCh37 (hg19) VCF-style: chr15-48719943-T-G.
Other names: c.7025A>C, p.Glu2342Ala (NM_001406716.1); short protein forms E2342A.
Identifiers: ClinVar variation 2773320 (VCV002773320.2), dbSNP rs2505412777, ClinGen allele CA392330311.
Genomic context (GRCh38, chr15:48,427,746, plus strand): 5'-TCCGATTTGGTGACGGGGTTCCTGTTGCTGGAGCCGATCTGACACATGTTTTGTAGCACC[T>G]CTGTGAAGCAGTACCCTTCCCGATTGTCTGGAAGGGACATTATATGGCAAAGGGGATGTC-3'
Protein context (NP_000129.3, residues 2332-2352): LDNREGYCFT[Glu2342Ala]VLQNMCQIGS

ClinVar aggregate classification (germline): Uncertain significance (1 of 4 stars; one submission).

Conditions:
Familial thoracic aortic aneurysm and aortic dissection (TAAD). Also called: Thoracic aortic aneurysms and dissections. Identifiers: Orphanet 91387, MedGen C4707243, MONDO:0019625.

Submission:

Color Diagnostics, LLC DBA Color Health
Classification: Uncertain significance for Familial thoracic aortic aneurysm and aortic dissection. Last evaluated: 2022-12-05. Review status: criteria provided, single submitter. Criteria: ACMG Guidelines, 2015. Collection method: clinical testing. Allele origin: germline.
Comment: This missense variant replaces glutamic acid with alanine at codon 2342 of the FBN1 protein. Computational prediction suggests that this variant may have deleterious impact on protein structure and function (internally defined REVEL score threshold >= 0.7, PMID: 27666373). To our knowledge, functional studies have not been reported for this variant. This variant has not been reported in individuals affected with FBN1-related disorders in the literature. This variant has not been identified in the general population by the Genome Aggregation Database (gnomAD). The available evidence is insufficient to determine the role of this variant in disease conclusively. Therefore, this variant is classified as a Variant of Uncertain Significance.